The following is an entry in ClinVar:

ClinVar aggregate classification (germline): Uncertain significance. Review status: criteria provided, multiple submitters, no conflicts (2 of 4 stars). 4 submissions from 4 submitters: Uncertain significance (4). Last evaluated 2025-05-15.

Conditions:
Hereditary cancer-predisposing syndrome. Also called: Hereditary Cancer Syndrome; Neoplastic Syndromes, Hereditary; Tumor predisposition; Hereditary neoplastic syndrome. Identifiers: Orphanet 140162, MedGen C0027672, MeSH D009386, MONDO:0015356.
Ataxia-telangiectasia syndrome (AT). Also called: Cerebello-oculocutaneous telangiectasia; Immunodeficiency with ataxia telangiectasia; Ataxia-telangiectasia, complementation group E; Ataxia-telangiectasia, complementation group D; AT, COMPLEMENTATION GROUP C; ATAXIA-TELANGIECTASIA, COMPLEMENTATION GROUP A. Identifiers: Orphanet 100, MedGen C0004135, MONDO:0008840, OMIM 208900.

Submissions (4):

Ambry Genetics
Classification: Uncertain significance for Hereditary cancer-predisposing syndrome. Last evaluated: 2025-05-15. Review status: criteria provided, single submitter. Criteria: Ambry Variant Classification Scheme 2023. Collection method: clinical testing. Allele origin: germline.
Comment: The p.V2500I variant (also known as c.7498G>A), located in coding exon 49 of the ATM gene, results from a G to A substitution at nucleotide position 7498. The valine at codon 2500 is replaced by isoleucine, an amino acid with highly similar properties. This amino acid position is conserved. In addition, this alteration is predicted to be tolerated by in silico analysis. Based on the available evidence, the clinical significance of this variant remains unclear.

GeneDx
Classification: Uncertain significance. Last evaluated: 2024-02-25. Review status: criteria provided, single submitter. Criteria: GeneDx Variant Classification Process June 2021. Collection method: clinical testing. Allele origin: germline. Affected: yes.
Comment: Not observed at significant frequency in large population cohorts (gnomAD); In silico analysis supports that this missense variant does not alter protein structure/function; Has not been previously published as pathogenic or benign to our knowledge; This variant is associated with the following publications: (PMID: 23532176)

Color Diagnostics, LLC DBA Color Health
Classification: Uncertain significance for Hereditary cancer-predisposing syndrome. Last evaluated: 2023-12-05. Review status: criteria provided, single submitter. Criteria: ACMG Guidelines, 2015. Collection method: clinical testing. Allele origin: germline.
Comment: This missense variant replaces valine with isoleucine at codon 2500 of the ATM protein. Computational prediction suggests that this variant may not impact protein structure and function (internally defined REVEL score threshold <= 0.5, PMID: 27666373). To our knowledge, functional studies have not been reported for this variant. This variant has not been reported in individuals affected with ATM-related disorders in the literature. This variant has not been identified in the general population by the Genome Aggregation Database (gnomAD). The available evidence is insufficient to determine the role of this variant in disease conclusively. Therefore, this variant is classified as a Variant of Uncertain Significance.

Labcorp Genetics (formerly Invitae), Labcorp
Classification: Uncertain significance for Ataxia-telangiectasia syndrome. Last evaluated: 2023-04-23. Review status: criteria provided, single submitter. Criteria: Invitae Variant Classification Sherloc (09022015). Collection method: clinical testing. Allele origin: germline.
Comment: In summary, the available evidence is currently insufficient to determine the role of this variant in disease. Therefore, it has been classified as a Variant of Uncertain Significance. An algorithm developed to predict the effect of missense changes on protein structure and function (PolyPhen-2) suggests that this variant is likely to be tolerated. ClinVar contains an entry for this variant (Variation ID: 490699). This variant has not been reported in the literature in individuals affected with ATM-related conditions. This variant is not present in population databases (gnomAD no frequency). This sequence change replaces valine, which is neutral and non-polar, with isoleucine, which is neutral and non-polar, at codon 2500 of the ATM protein (p.Val2500Ile).

NM_000051.4(ATM):c.7498G>A (p.Val2500Ile)

Genes: ATM (ATM serine/threonine kinase; plus strand), C11orf65 (chromosome 11 open reading frame 65; minus strand). Cytogenetic location: 11q22.3.
Variant type: single nucleotide variant.
Coding change: c.7498G>A on transcript NM_000051.4 (MANE Select); coding-DNA position 7498, G replaced by A.
Protein change: p.Val2500Ile; replaces valine 2500 with isoleucine.
Molecular consequence: missense variant. On other transcripts: intron variant (2).
Genome position (GRCh38, 1-based): chr11:108,330,404, G>A. VCF-style: chr11-108330404-G-A. GRCh37 (hg19) VCF-style: chr11-108201131-G-A.
Other names: c.7498G>A, p.Val2500Ile (NM_001351834.2); c.641-21333C>T (NM_001330368.2); c.*38+4816C>T (NM_001351110.2); short protein forms V2500I.
Identifiers: ClinVar variation 490699 (VCV000490699.14), dbSNP rs1555123294, ClinGen allele CA382560557.
Genomic context (GRCh38, chr11:108,330,404, plus strand): 5'-CATGATATGTGGGTATTCCGACTTTGTTCCCTCTGGCTTGAAAATTCTGGAGTTTCTGAA[G>A]TCAATGGCATGATGAAGGCAAGTGTTACTCAGCCCAATATTCTACCCTGTGCTTGAAAAA-3'
Protein context (NP_000042.3, residues 2490-2510): LWLENSGVSE[Val2500Ile]NGMMKRDGMK